The following is an entry in ClinVar:

ClinVar aggregate classification (germline): Likely benign. Review status: criteria provided, multiple submitters, no conflicts (2 of 4 stars). 4 submissions from 4 submitters: Likely benign (4). Last evaluated 2024-10-21.

Allele frequency attached by ClinVar (database versions not stated): ExAC 0.00002; gnomAD 0.00002 and 0.00005; gnomAD exomes 0.00003 and 0.00004; TOPMed 0.00007.
gnomAD v4.1: 72 of 1,614,154 alleles (0.0045%); highest among the groups gnomAD compares: Middle Eastern, 0.51%; 2 homozygotes.

Submissions (4):

Blueprint Genetics
Classification: Likely benign. Last evaluated: 2024-10-21. Review status: criteria provided, single submitter. Criteria: ACMG Guidelines, 2015. Collection method: clinical testing. Allele origin: germline.

Labcorp Genetics (formerly Invitae), Labcorp
Classification: Likely benign. Last evaluated: 2024-08-09. Review status: criteria provided, single submitter. Criteria: Invitae Variant Classification Sherloc (09022015). Collection method: clinical testing. Allele origin: germline.

CeGaT Center for Human Genetics Tuebingen
Classification: Likely benign. Last evaluated: 2023-08-01. Review status: criteria provided, single submitter. Criteria: CeGaT Center For Human Genetics Tuebingen Variant Classification Criteria Version 2. Collection method: clinical testing. Allele origin: germline. Affected: yes. Observed: 1 variant allele.
Comment: PTPN23: BP4

Breakthrough Genomics
Classification: Likely benign. Review status: criteria provided, single submitter. Criteria: ACMG Guidelines, 2015. Collection method: not provided. Allele origin: germline. Inheritance: Autosomal recessive inheritance. Affected: yes.

NM_015466.4(PTPN23):c.1846C>T (p.Leu616=)

Gene: PTPN23 (protein tyrosine phosphatase non-receptor type 23; plus strand). Cytogenetic location: 3p21.31.
Variant type: single nucleotide variant.
Coding change: c.1846C>T on transcript NM_015466.4 (MANE Select); coding-DNA position 1846, C replaced by T.
Protein change: p.Leu616=; no amino-acid change (leucine 616 retained).
Molecular consequence: synonymous variant.
Genome position (GRCh38, 1-based): chr3:47,409,465, C>T. VCF-style: chr3-47409465-C-T. GRCh37 (hg19) VCF-style: chr3-47450955-C-T.
Other names: c.1468C>T, p.Leu490= (NM_001304482.2).
Identifiers: ClinVar variation 1587316 (VCV001587316.34), dbSNP rs765778993, ClinGen allele CA2365837.
Genomic context (GRCh38, chr3:47,409,465, plus strand): 5'-CCCCTTCCTCAGAAGTTGTTCGAGGAGCAGCTGAAAAAGTATGACCAGCTGAAGGTGTAC[C>T]TGGAGCAGAACCTGGCCGCCCAGGACCGTGTCCTCTGTGCACTGACAGAGGCCAACGTGC-3'
Protein context (NP_056281.1, residues 606-626): LKKYDQLKVY[Leu616=]EQNLAAQDRV